The following is an entry in ClinVar:

ClinVar aggregate classification (germline): Uncertain significance (1 of 4 stars; one submission).

gnomAD v4.1: 1 of 1,614,228 alleles (0.000062%); highest among the groups gnomAD compares: Non-Finnish European, 0.000085%; no homozygotes.

Submission:

Labcorp Genetics (formerly Invitae), Labcorp
Classification: Uncertain significance. Last evaluated: 2025-11-22. Review status: criteria provided, single submitter. Criteria: Invitae Variant Classification Sherloc (09022015). Collection method: clinical testing. Allele origin: germline.
Comment: This sequence change replaces glutamine, which is neutral and polar, with arginine, which is basic and polar, at codon 1167 of the MYH9 protein (p.Gln1167Arg). This variant is not present in population databases (gnomAD no frequency). This variant has not been reported in the literature in individuals affected with MYH9-related conditions. Invitae Evidence Modeling of protein sequence and biophysical properties (such as structural, functional, and spatial information, amino acid conservation, physicochemical variation, residue mobility, and thermodynamic stability) indicates that this missense variant is not expected to disrupt MYH9 protein function with a negative predictive value of 95%. In summary, the available evidence is currently insufficient to determine the role of this variant in disease. Therefore, it has been classified as a Variant of Uncertain Significance.

NM_002473.6(MYH9):c.3500A>G (p.Gln1167Arg)

Gene: MYH9 (myosin heavy chain 9; minus strand). Cytogenetic location: 22q12.3.
Variant type: single nucleotide variant.
Coding change: c.3500A>G on transcript NM_002473.6 (MANE Select); coding-DNA position 3500, A replaced by G.
Protein change: p.Gln1167Arg; replaces glutamine 1167 with arginine.
Molecular consequence: missense variant.
Genome position (GRCh38, 1-based): chr22:36,295,062, T>C on the plus strand (A>G on the coding strand, the complement: MYH9 is on the minus strand). VCF-style: chr22-36295062-T-C. GRCh37 (hg19) VCF-style: chr22-36691108-T-C.
Other names: short protein forms Q1167R.
Identifiers: ClinVar variation 4746164 (VCV004746164.1).